The following is an entry in ClinVar:

NM_016169.4(SUFU):c.1235G>A (p.Gly412Glu)

Gene: SUFU (SUFU negative regulator of hedgehog signaling; plus strand). Cytogenetic location: 10q24.32.
Variant type: single nucleotide variant.
Coding change: c.1235G>A on transcript NM_016169.4 (MANE Select); coding-DNA position 1235, G replaced by A.
Protein change: p.Gly412Glu; replaces glycine 412 with glutamic acid.
Molecular consequence: missense variant.
Genome position (GRCh38, 1-based): chr10:102,617,367, G>A. VCF-style: chr10-102617367-G-A. GRCh37 (hg19) VCF-style: chr10-104377124-G-A.
Other names: c.1235G>A, p.Gly412Glu (NM_001178133.2); short protein forms G412E.
Identifiers: ClinVar variation 655466 (VCV000655466.9), dbSNP rs1590084228, ClinGen allele CA377915660.

ClinVar aggregate classification (germline): Uncertain significance (1 of 4 stars; one submission).

Conditions:
Gorlin syndrome. Also called: Nevoid Basal Cell Carcinoma Syndrome; Basal cell nevus syndrome. Identifiers: Orphanet 377, MedGen C0004779, MONDO:0007187.
Medulloblastoma (MDB). Also called: MEDULLOBLASTOMA PREDISPOSITION SYNDROME; Medulloblastoma, somatic. Identifiers: Orphanet 616, MedGen C0025149, MeSH D008527, MONDO:0007959, OMIM 155255, HP:0002885.

Submission:

Labcorp Genetics (formerly Invitae), Labcorp
Classification: Uncertain significance for Gorlin syndrome; Medulloblastoma. Last evaluated: 2018-07-25. Review status: criteria provided, single submitter. Criteria: Invitae Variant Classification Sherloc (09022015). Collection method: clinical testing. Allele origin: germline.
Comment: In summary, the available evidence is currently insufficient to determine the role of this variant in disease. Therefore, it has been classified as a Variant of Uncertain Significance. Algorithms developed to predict the effect of missense changes on protein structure and function are either unavailable or do not agree on the potential impact of this missense change (SIFT: "Deleterious"; PolyPhen-2: "Benign"; Align-GVGD: "Class C15"). This variant has not been reported in the literature in individuals with SUFU-related disease. This variant is not present in population databases (ExAC no frequency). This sequence change replaces glycine with glutamic acid at codon 412 of the SUFU protein (p.Gly412Glu). The glycine residue is highly conserved and there is a moderate physicochemical difference between glycine and glutamic acid.